The following is an entry in ClinVar:

NM_001008216.2(GALE):c.237+1G>T

Gene: GALE (UDP-galactose-4-epimerase; minus strand). Cytogenetic location: 1p36.11.
Variant type: single nucleotide variant.
Coding change: c.237+1G>T on transcript NM_001008216.2 (MANE Select); the canonical splice donor site of the intron after coding-DNA position 237, G replaced by T.
Molecular consequence: splice donor variant.
Genome position (GRCh38, 1-based): chr1:23,798,614, C>A on the plus strand (G>T on the coding strand, the complement: GALE is on the minus strand). VCF-style: chr1-23798614-C-A. GRCh37 (hg19) VCF-style: chr1-24125104-C-A.
Other names: c.237+1G>T (NM_000403.4, NM_001127621.2).
Identifiers: ClinVar variation 3370426 (VCV003370426.1).
Genomic context (GRCh38, chr1:23,798,614, plus strand): 5'-CCTCGGCCTTCCAAAGTGCTGGAATTACAGGCGTGAGCCACCGTGCCCAGCCTGCACCCA[C>A]CTTTTTGAAGAGACGCTGTAGGGCTCCCTGGTCCAAAATGTCCATCTCCTCAAACTCCAC-3'

ClinVar aggregate classification (germline): Likely pathogenic (0 of 4 stars; one submission).

Conditions:
UDPglucose-4-epimerase deficiency. Also called: GALACTOSEMIA III; GALE DEFICIENCY; Galactose epimerase deficiency; UDP-GALACTOSE-4-EPIMERASE DEFICIENCY; Epimerase Deficiency Galactosemia; UDPglucose 4-Epimerase Deficiency Disease. Identifiers: Orphanet 352, Orphanet 79238, MedGen C0751161, MONDO:0009257, OMIM 230350.

Submission:

Department of Genetics, Suzhou Beikang Medical Laboratory
Classification: Likely pathogenic for UDPglucose-4-epimerase deficiency. Last evaluated: 2024-10-31. Review status: no assertion criteria provided. Collection method: clinical testing. Allele origin: germline. Affected: no.
Comment: In summary, the currently available evidence indicates that the variant is pathogenic, but additional data are needed to prove that conclusively. Therefore, this variant has been classified as Likely Pathogenic.This sequence change affects a donor splice site in intron 4 of the GALE gene. It is expected to disrupt RNA splicing. Variants that disrupt the donor or acceptor splice site typically lead to a loss of protein function (PMID: 16199547), and loss-of-function variants in GALE are known to be pathogenic (PMID: 16301867). Algorithms developed to predict the effect of sequence changes on RNA splicing suggest that this variant may disrupt the consensus splice site. This variant is not present in population databases (gnomAD no frequency). This variant has not been reported in the literature in individuals affected with Galactose epimerase deficiency.